The following is an entry in ClinVar:

NM_002225.5(IVD):c.848A>G (p.Glu283Gly)

Gene: IVD (isovaleryl-CoA dehydrogenase; plus strand). Cytogenetic location: 15q15.1.
Variant type: single nucleotide variant.
Coding change: c.848A>G on transcript NM_002225.5 (MANE Select); coding-DNA position 848, A replaced by G.
Protein change: p.Glu283Gly; replaces glutamic acid 283 with glycine.
Molecular consequence: missense variant. On other transcripts: non-coding transcript variant (1).
Genome position (GRCh38, 1-based): chr15:40,414,952, A>G. VCF-style: chr15-40414952-A-G. GRCh37 (hg19) VCF-style: chr15-40707151-A-G.
Other names: c.758A>G, p.Glu253Gly (NM_001159508.3); c.800A>G, p.Glu267Gly (NM_001354597.3); c.848A>G, p.Glu283Gly (NM_001354598.3, NM_001354601.3); c.935A>G, p.Glu312Gly (NM_001354599.3, NM_001354600.3); short protein forms E283G, E312G, E267G, E253G.
Identifiers: ClinVar variation 459931 (VCV000459931.7), dbSNP rs1314850102, ClinGen allele CA391720836.
Genomic context (GRCh38, chr15:40,414,952, plus strand): 5'-CCAACATCCTGGGCCATGAGAATAAGGGTGTCTACGTGCTGATGAGTGGGCTGGACCTGG[A>G]GCGGCTGGTGCTGGCCGGGGGGCCTCTTGGGTAAGTGTGAGAGGCTTGAGGGAAGCTGGG-3'
Protein context (NP_002216.3, residues 273-293): VYVLMSGLDL[Glu283Gly]RLVLAGGPLG

ClinVar aggregate classification (germline): Likely pathogenic. Review status: criteria provided, multiple submitters, no conflicts (2 of 4 stars). 2 submissions from 2 submitters: Likely pathogenic (2). Last evaluated 2025-12-30.

Conditions:
Isovaleryl-CoA dehydrogenase deficiency (IVA). Also called: Classic Isovaleric Acidemia; ISOVALERIC ACID CoA DEHYDROGENASE DEFICIENCY; IVD DEFICIENCY; Isovaleric acidemia. Identifiers: Orphanet 33, MedGen C0268575, MONDO:0009475, OMIM 243500.

Allele frequency attached by ClinVar (database versions not stated): TOPMed below 0.00001.

Submissions (2):

Natera, Inc.
Classification: Likely pathogenic for Isovaleryl-coa dehydrogenase deficiency. Last evaluated: 2025-12-30. Review status: criteria provided, single submitter. Criteria: Natera Variant Classification Schema (03/2026). Collection method: clinical testing. Allele origin: germline.
Comment: The c.857A>G variant in IVD is a missense variant predicted to cause substitution of glutamic acid to glycine at amino acid 286. This variant is rare in the general population with a frequency below the threshold expected for the associated phenotype(s). This variant has been observed in one or more individuals affected with the associated recessive disease, as either homozygous or compound heterozygous with a second variant (PMID: 35782626). Additionally, this variant has been observed to segregate in affected family members (PMID: 35782626). Computational prediction algorithms indicate this variant is likely to affect gene or protein function. Given the available evidence, this variant is classified as Likely Pathogenic.

Labcorp Genetics (formerly Invitae), Labcorp
Classification: Likely pathogenic for Isovaleryl-CoA dehydrogenase deficiency. Last evaluated: 2023-09-21. Review status: criteria provided, single submitter. Criteria: Invitae Variant Classification Sherloc (09022015). Collection method: clinical testing. Allele origin: germline.
Comment: This sequence change replaces glutamic acid, which is acidic and polar, with glycine, which is neutral and non-polar, at codon 286 of the IVD protein (p.Glu286Gly). This variant is not present in population databases (gnomAD no frequency). This missense change has been observed in individual(s) with isovaleric acidemia (PMID: 35782626; Invitae). In at least one individual the data is consistent with being in trans (on the opposite chromosome) from a pathogenic variant. This variant is also known as c.848A>G, (p.Glu283Gly). ClinVar contains an entry for this variant (Variation ID: 459931). In summary, the currently available evidence indicates that the variant is pathogenic, but additional data are needed to prove that conclusively. Therefore, this variant has been classified as Likely Pathogenic. Algorithms developed to predict the effect of sequence changes on RNA splicing suggest that this variant may disrupt the consensus splice site. An algorithm developed to predict the effect of missense changes on protein structure and function (PolyPhen-2) suggests that this variant is likely to be disruptive.

Literature cited by the submitters: PubMed 35782626 (cited by Natera, Inc. and Labcorp Genetics (formerly Invitae), Labcorp).